The following is an entry in ClinVar:

NM_138477.4(CDAN1):c.1718A>T (p.Asp573Val)

Gene: CDAN1 (codanin 1; minus strand). Cytogenetic location: 15q15.2.
Variant type: single nucleotide variant.
Coding change: c.1718A>T on transcript NM_138477.4 (MANE Select); coding-DNA position 1718, A replaced by T.
Protein change: p.Asp573Val; replaces aspartic acid 573 with valine.
Molecular consequence: missense variant.
Genome position (GRCh38, 1-based): chr15:42,731,641, T>A on the plus strand (A>T on the coding strand, the complement: CDAN1 is on the minus strand). VCF-style: chr15-42731641-T-A. GRCh37 (hg19) VCF-style: chr15-43023839-T-A.
Other names: short protein forms D573V.
Identifiers: ClinVar variation 1926305 (VCV001926305.2), dbSNP rs760313806, ClinGen allele CA7515966.
Genomic context (GRCh38, chr15:42,731,641, plus strand): 5'-GCCTCTGCCCCATTCCTTGCAAGACACAGGGGAGCCTACCTGCTGGCACTAAGGATGAAG[T>A]CCCTAAAGAAGCCTTGACAGCCTGGGAAGGTGGGGGGTGGGCAGGGCCCCCCACTGCTCT-3'
Protein context (NP_612486.2, residues 563-583): TFPGCQGFFR[Asp573Val]FILSASSFQF

ClinVar aggregate classification (germline): Uncertain significance (1 of 4 stars; one submission).

Allele frequency attached by ClinVar (database versions not stated): ExAC 0.00001; gnomAD 0.00001; gnomAD exomes 0.00001; TOPMed 0.00002.

Submission:

Labcorp Genetics (formerly Invitae), Labcorp
Classification: Uncertain significance. Last evaluated: 2022-08-22. Review status: criteria provided, single submitter. Criteria: Invitae Variant Classification Sherloc (09022015). Collection method: clinical testing. Allele origin: germline.
Comment: This sequence change replaces aspartic acid, which is acidic and polar, with valine, which is neutral and non-polar, at codon 573 of the CDAN1 protein (p.Asp573Val). This variant is present in population databases (rs760313806, gnomAD 0.003%). This variant has not been reported in the literature in individuals affected with CDAN1-related conditions. Algorithms developed to predict the effect of missense changes on protein structure and function are either unavailable or do not agree on the potential impact of this missense change (SIFT: "Deleterious"; PolyPhen-2: "Probably Damaging"; Align-GVGD: "Class C15"). In summary, the available evidence is currently insufficient to determine the role of this variant in disease. Therefore, it has been classified as a Variant of Uncertain Significance.